The following is an entry in ClinVar:

ClinVar aggregate classification (germline): Uncertain significance. Review status: criteria provided, single submitter (1 of 4 stars). 2 submissions from 2 submitters: Uncertain significance (1). 1 of the submissions does not count toward it. Last evaluated 2023-12-06.

Conditions:
Neuromuscular disease caused by qualitative or quantitative defects of dysferlin. Also called: Dysferlinopathy; Qualitative or quantitative defects of dysferlin. Identifiers: Orphanet 207073, MedGen C2931687, MONDO:0016145.
Autosomal recessive limb-girdle muscular dystrophy type 2B (LGMDR2). Also called: Limb-girdle muscular dystrophy, type 2B; MUSCULAR DYSTROPHY, LIMB-GIRDLE, TYPE 3; MUSCULAR DYSTROPHY, LIMB-GIRDLE, AUTOSOMAL RECESSIVE 2; Limb-Girdle Muscular Dystrophy Type 2B (LGMD2B). Identifiers: Orphanet 268, MedGen C1850889, MONDO:0009676, OMIM 253601.

Allele frequency attached by ClinVar (database versions not stated): TOPMed 0.00003.
gnomAD v4.1: 34 of 1,613,844 alleles (0.0021%); highest among the groups gnomAD compares: East Asian, 0.0045%; no homozygotes.

Submissions (2):

Labcorp Genetics (formerly Invitae), Labcorp
Classification: Uncertain significance for Neuromuscular disease caused by qualitative or quantitative defects of dysferlin. Last evaluated: 2023-12-06. Review status: criteria provided, single submitter. Criteria: Invitae Variant Classification Sherloc (09022015). Collection method: clinical testing. Allele origin: germline.
Comment: This sequence change replaces aspartic acid, which is acidic and polar, with asparagine, which is neutral and polar, at codon 1147 of the DYSF protein (p.Asp1147Asn). This variant is present in population databases (rs761528558, gnomAD 0.006%). This variant has not been reported in the literature in individuals affected with DYSF-related conditions. ClinVar contains an entry for this variant (Variation ID: 471298). Advanced modeling of protein sequence and biophysical properties (such as structural, functional, and spatial information, amino acid conservation, physicochemical variation, residue mobility, and thermodynamic stability) performed at Invitae indicates that this missense variant is not expected to disrupt DYSF protein function with a negative predictive value of 95%. In summary, the available evidence is currently insufficient to determine the role of this variant in disease. Therefore, it has been classified as a Variant of Uncertain Significance.

Natera, Inc.
Classification: Uncertain significance for Limb-girdle muscular dystrophy type 2B. Last evaluated: 2019-10-28. Review status: no assertion criteria provided. Collection method: clinical testing. Allele origin: germline. Not counted in ClinVar's aggregate classification.

NM_001130987.2(DYSF):c.3493G>A (p.Asp1165Asn)

Gene: DYSF (dysferlin; plus strand). Cytogenetic location: 2p13.2.
Variant type: single nucleotide variant.
Coding change: c.3493G>A on transcript NM_001130987.2 (MANE Select); coding-DNA position 3493, G replaced by A.
Protein change: p.Asp1165Asn; replaces aspartic acid 1165 with asparagine.
Molecular consequence: missense variant.
Genome position (GRCh38, 1-based): chr2:71,589,683, G>A. VCF-style: chr2-71589683-G-A. GRCh37 (hg19) VCF-style: chr2-71816813-G-A.
Other names: c.3442G>A, p.Asp1148Asn (NM_001130455.2, NM_001130983.2); c.3397G>A, p.Asp1133Asn (NM_001130976.2, NM_001130977.2); c.3439G>A, p.Asp1147Asn (NM_001130978.2, NM_003494.4); c.3532G>A, p.Asp1178Asn (NM_001130979.2); c.3490G>A, p.Asp1164Asn (NM_001130980.2, NM_001130981.2); c.3535G>A, p.Asp1179Asn (NM_001130982.2); c.3400G>A, p.Asp1134Asn (NM_001130984.2, NM_001130986.2); c.3493G>A, p.Asp1165Asn (NM_001130985.2); short protein forms D1147N, D1165N, D1133N, D1178N, D1134N, D1164N, D1148N, D1179N.
Identifiers: ClinVar variation 471298 (VCV000471298.12), dbSNP rs761528558, ClinGen allele CA1706579.
Genomic context (GRCh38, chr2:71,589,683, plus strand): 5'-TCCATGTCCGTCTCCACCTTGAGCTTCGGTGTGAACAGACCCACGATTTCCTGCATATTC[G>A]ACTGTAAGTGAGGCTTCGAGGCCTCTATGGGGTGATAAGGGTGTGTCACCTTATGCTTCT-3'
Protein context (NP_001124459.1, residues 1155-1175): VNRPTISCIF[Asp1165Asn]YGNRYHLRCY